The following is an entry in ClinVar:

NM_003394.4(WNT10B):c.849C>A (p.Ile283=)

Gene: WNT10B (Wnt family member 10B; minus strand). Cytogenetic location: 12q13.12.
Variant type: single nucleotide variant.
Coding change: c.849C>A on transcript NM_003394.4 (MANE Select); coding-DNA position 849, C replaced by A.
Protein change: p.Ile283=; no amino-acid change (isoleucine 283 retained).
Molecular consequence: synonymous variant.
Genome position (GRCh38, 1-based): chr12:48,966,416, G>T on the plus strand (C>A on the coding strand, the complement: WNT10B is on the minus strand). VCF-style: chr12-48966416-G-T. GRCh37 (hg19) VCF-style: chr12-49360199-G-T.
Other names: c.849C>A (NM_003394.3).
Identifiers: ClinVar variation 2642929 (VCV002642929.26), dbSNP rs202063852, ClinGen allele CA6544081.
Genomic context (GRCh38, chr12:48,966,416, plus strand): 5'-GCGACGGGGACGCAGACGGGGCTGGAAGGCTCCAGAATTGCGGTTGTGGGTATCAATGAA[G>T]ATGGCCCGGCCCAGCCGCTCCCTCAACGCCGCCCCCACTGCCCGGAACTCTGGGGCCGCC-3'
Protein context (NP_003385.2, residues 273-293): AALRERLGRA[Ile283=]FIDTHNRNSG

ClinVar aggregate classification (germline): Benign/Likely benign. Review status: criteria provided, multiple submitters, no conflicts (2 of 4 stars). 3 submissions from 3 submitters: Benign (1); Likely benign (2). Last evaluated 2025-09-21.

Conditions:
Inborn genetic diseases. Identifiers: MedGen C0950123, MeSH D030342.

Allele frequency attached by ClinVar (database versions not stated): 1000 Genomes Project 0.00020; TOPMed 0.00021; ESP Exome Variant Server 0.00008; gnomAD 0.00013; 1000 Genomes Project 30x 0.00016.
gnomAD v4.1: 312 of 1,614,038 alleles (0.019%); highest among the groups gnomAD compares: East Asian, 0.25%; 4 homozygotes.

Submissions (3):

Labcorp Genetics (formerly Invitae), Labcorp
Classification: Benign. Last evaluated: 2025-09-21. Review status: criteria provided, single submitter. Criteria: Invitae Variant Classification Sherloc (09022015). Collection method: clinical testing. Allele origin: germline.

Ambry Genetics
Classification: Likely benign for Inborn genetic diseases. Last evaluated: 2023-10-27. Review status: criteria provided, single submitter. Criteria: Ambry Variant Classification Scheme 2023. Collection method: clinical testing. Allele origin: germline.

CeGaT Center for Human Genetics Tuebingen
Classification: Likely benign. Last evaluated: 2022-09-01. Review status: criteria provided, single submitter. Criteria: CeGaT Center For Human Genetics Tuebingen Variant Classification Criteria Version 2. Collection method: clinical testing. Allele origin: germline. Affected: yes. Observed: 1 variant allele.
Comment: WNT10B: BP4